The following is an entry in ClinVar:

NM_017752.3(TBC1D8B):c.1648A>G (p.Thr550Ala)

Gene: TBC1D8B (TBC1 domain family member 8B; plus strand). Cytogenetic location: Xq22.3.
Variant type: single nucleotide variant.
Coding change: c.1648A>G on transcript NM_017752.3 (MANE Select); coding-DNA position 1648, A replaced by G.
Protein change: p.Thr550Ala; replaces threonine 550 with alanine.
Molecular consequence: missense variant.
Genome position (GRCh38, 1-based): chrX:106,840,813, A>G. VCF-style: chrX-106840813-A-G. GRCh37 (hg19) VCF-style: chrX-106084043-A-G.
Other names: c.1648A>G, p.Thr550Ala (NM_198881.2); short protein forms T550A.
Identifiers: ClinVar variation 2782133 (VCV002782133.3), dbSNP rs748451871, ClinGen allele CA10483178.

ClinVar aggregate classification (germline): Uncertain significance (1 of 4 stars; one submission).

Allele frequency attached by ClinVar (database versions not stated): ExAC 0.00001.
gnomAD v4.1: 2 of 1,211,276 alleles (0.00017%); no homozygotes.

Submission:

Labcorp Genetics (formerly Invitae), Labcorp
Classification: Uncertain significance. Last evaluated: 2023-08-30. Review status: criteria provided, single submitter. Criteria: Invitae Variant Classification Sherloc (09022015). Collection method: clinical testing. Allele origin: germline.
Comment: In summary, the available evidence is currently insufficient to determine the role of this variant in disease. Therefore, it has been classified as a Variant of Uncertain Significance. An algorithm developed to predict the effect of missense changes on protein structure and function (PolyPhen-2) suggests that this variant is likely to be disruptive. This variant has not been reported in the literature in individuals affected with TBC1D8B-related conditions. This variant is present in population databases (rs748451871, gnomAD 0.008%). This sequence change replaces threonine, which is neutral and polar, with alanine, which is neutral and non-polar, at codon 550 of the TBC1D8B protein (p.Thr550Ala).